The following is an entry in ClinVar:

ClinVar aggregate classification (germline): Uncertain significance. Review status: criteria provided, multiple submitters, no conflicts (2 of 4 stars). 2 submissions from 2 submitters: Uncertain significance (2). Last evaluated 2024-07-26.

Conditions:
DICER1-related tumor predisposition. Also called: DICER1-related pleuropulmonary blastoma cancer predisposition syndrome; DICER1 syndrome. Identifiers: Orphanet 284343, MedGen C3839822, MONDO:0100216.
Hereditary cancer-predisposing syndrome. Also called: Neoplastic Syndromes, Hereditary; Hereditary neoplastic syndrome; Tumor predisposition; Hereditary Cancer Syndrome. Identifiers: Orphanet 140162, MedGen C0027672, MeSH D009386, MONDO:0015356.

Submissions (2):

Labcorp Genetics (formerly Invitae), Labcorp
Classification: Uncertain significance for DICER1-related tumor predisposition. Last evaluated: 2024-07-26. Review status: criteria provided, single submitter. Criteria: Invitae Variant Classification Sherloc (09022015). Collection method: clinical testing. Allele origin: germline.
Comment: This sequence change replaces proline, which is neutral and non-polar, with leucine, which is neutral and non-polar, at codon 1256 of the DICER1 protein (p.Pro1256Leu). This variant is not present in population databases (gnomAD no frequency). This variant has not been reported in the literature in individuals affected with DICER1-related conditions. ClinVar contains an entry for this variant (Variation ID: 834200). Advanced modeling of protein sequence and biophysical properties (such as structural, functional, and spatial information, amino acid conservation, physicochemical variation, residue mobility, and thermodynamic stability) performed at Invitae indicates that this missense variant is not expected to disrupt DICER1 protein function with a negative predictive value of 80%. In summary, the available evidence is currently insufficient to determine the role of this variant in disease. Therefore, it has been classified as a Variant of Uncertain Significance.

Ambry Genetics
Classification: Uncertain significance for Hereditary cancer-predisposing syndrome. Last evaluated: 2021-05-04. Review status: criteria provided, single submitter. Criteria: Ambry Variant Classification Scheme 2023. Collection method: clinical testing. Allele origin: germline.
Comment: The p.P1256L variant (also known as c.3767C>T), located in coding exon 20 of the DICER1 gene, results from a C to T substitution at nucleotide position 3767. The proline at codon 1256 is replaced by leucine, an amino acid with similar properties. This amino acid position is highly conserved in available vertebrate species. In addition, the in silico prediction for this alteration is inconclusive. Since supporting evidence is limited at this time, the clinical significance of this alteration remains unclear.

NM_177438.3(DICER1):c.3767C>T (p.Pro1256Leu)

Gene: DICER1 (dicer 1, ribonuclease III; minus strand). Cytogenetic location: 14q32.13.
Variant type: single nucleotide variant.
Coding change: c.3767C>T on transcript NM_177438.3 (MANE Select); coding-DNA position 3767, C replaced by T.
Protein change: p.Pro1256Leu; replaces proline 1256 with leucine.
Molecular consequence: missense variant.
Genome position (GRCh38, 1-based): chr14:95,103,629, G>A on the plus strand (C>T on the coding strand, the complement: DICER1 is on the minus strand). VCF-style: chr14-95103629-G-A. GRCh37 (hg19) VCF-style: chr14-95569966-G-A.
Other names: c.3767C>T, p.Pro1256Leu (NM_001195573.1, NM_001271282.3, NM_001291628.2 and 1 more transcripts); short protein forms P1256L.
Identifiers: ClinVar variation 834200 (VCV000834200.13), dbSNP rs1891107894, ClinGen allele CA390873573.